The following is an entry in ClinVar:

ClinVar aggregate classification (germline): Uncertain significance (1 of 4 stars; one submission).

Conditions:
Intellectual developmental disorder, X-linked 1. Also called: Atkin Flaitz Patil Smith syndrome; Intellectual disability, X-linked 1; MENTAL RETARDATION, X-LINKED 18; MENTAL RETARDATION, X-LINKED 78. Identifiers: Orphanet 777, MedGen C2931498, MONDO:0010656, OMIM 309530.

Submission:

Labcorp Genetics (formerly Invitae), Labcorp
Classification: Uncertain significance for Intellectual developmental disorder, X-linked 1. Last evaluated: 2023-05-22. Review status: criteria provided, single submitter. Criteria: Invitae Variant Classification Sherloc (09022015). Collection method: clinical testing. Allele origin: germline.
Comment: In summary, the available evidence is currently insufficient to determine the role of this variant in disease. Therefore, it has been classified as a Variant of Uncertain Significance. Advanced modeling of protein sequence and biophysical properties (such as structural, functional, and spatial information, amino acid conservation, physicochemical variation, residue mobility, and thermodynamic stability) performed at Invitae indicates that this missense variant is not expected to disrupt IQSEC2 protein function. ClinVar contains an entry for this variant (Variation ID: 1391628). This variant has not been reported in the literature in individuals affected with IQSEC2-related conditions. This variant is not present in population databases (gnomAD no frequency). This sequence change replaces alanine, which is neutral and non-polar, with threonine, which is neutral and polar, at codon 259 of the IQSEC2 protein (p.Ala259Thr).

NM_001111125.3(IQSEC2):c.775G>A (p.Ala259Thr)

Gene: IQSEC2 (IQ motif and Sec7 domain ArfGEF 2; minus strand). Cytogenetic location: Xp11.22.
Variant type: single nucleotide variant.
Coding change: c.775G>A on transcript NM_001111125.3 (MANE Select); coding-DNA position 775, G replaced by A.
Protein change: p.Ala259Thr; replaces alanine 259 with threonine.
Molecular consequence: missense variant.
Genome position (GRCh38, 1-based): chrX:53,256,024, C>T on the plus strand (G>A on the coding strand, the complement: IQSEC2 is on the minus strand). VCF-style: chrX-53256024-C-T. GRCh37 (hg19) VCF-style: chrX-53285206-C-T.
Other names: c.160G>A, p.Ala54Thr (NM_015075.2); short protein forms A259T, A54T.
Identifiers: ClinVar variation 1391628 (VCV001391628.6), dbSNP rs2147129010, ClinGen allele CA413172282.